The following is an entry in ClinVar:

NM_007294.4(BRCA1):c.5281T>C (p.Phe1761Leu)

Gene: BRCA1 (BRCA1 DNA repair associated; minus strand). Cytogenetic location: 17q21.31.
Variant type: single nucleotide variant.
Coding change: c.5281T>C on transcript NM_007294.4 (MANE Select); coding-DNA position 5281, T replaced by C.
Protein change: p.Phe1761Leu; replaces phenylalanine 1761 with leucine.
Molecular consequence: missense variant. On other transcripts: non-coding transcript variant (1).
Genome position (GRCh38, 1-based): chr17:43,051,114, A>G on the plus strand (T>C on the coding strand, the complement: BRCA1 is on the minus strand). VCF-style: chr17-43051114-A-G. GRCh37 (hg19) VCF-style: chr17-41203131-A-G.
Other names: c.5068T>C, p.Phe1690Leu (NM_001407571.1, NM_001407900.1, NM_001407902.1 and 12 more transcripts); c.5347T>C, p.Phe1783Leu (NM_001407581.1, NM_001407582.1); c.5344T>C, p.Phe1782Leu (NM_001407583.1, NM_001407585.1, NM_001407587.1 and 1 more transcripts); c.5341T>C, p.Phe1781Leu (NM_001407590.1, NM_001407591.1); c.5281T>C, p.Phe1761Leu (NM_001407593.1, NM_001407594.1, NM_001407596.1 and 6 more transcripts); c.5278T>C, p.Phe1760Leu (NM_001407610.1, NM_001407611.1, NM_001407612.1 and 17 more transcripts); c.5275T>C, p.Phe1759Leu (NM_001407628.1, NM_001407629.1, NM_001407630.1 and 14 more transcripts); c.5224T>C, p.Phe1742Leu (NM_001407648.1); and 72 more; short protein forms F1761L, F1714L, F1782L, F657L, F1632L, F1633L, F1650L, F1690L.
Identifiers: ClinVar variation 630802 (VCV000630802.6), dbSNP rs1567760717, ClinGen allele CA10590983.
Genomic context (GRCh38, chr17:43,051,114, plus strand): 5'-GGCTCTTACCTGTGGGCATGTTGGTGAAGGGCCCATAGCAACAGATTTCTAGCCCCCTGA[A>G]GATCTGGAAGAAGAGAGGAAGAGAGAGGGACAGGGGAATGGAGAGAAGGAAAATCTAGTT-3'
Protein context (NP_009225.1, residues 1751-1771): RARESQDRKI[Phe1761Leu]RGLEICCYGP

ClinVar aggregate classification (germline): Uncertain significance (1 of 4 stars; one submission).

Conditions:
Hereditary cancer-predisposing syndrome. Also called: Hereditary neoplastic syndrome; Tumor predisposition; Hereditary Cancer Syndrome; Neoplastic Syndromes, Hereditary. Identifiers: Orphanet 140162, MedGen C0027672, MeSH D009386, MONDO:0015356.

Submissions (2):

Color Diagnostics, LLC DBA Color Health
Classification: Uncertain significance for Hereditary cancer-predisposing syndrome. Last evaluated: 2019-05-22. Review status: criteria provided, single submitter. Criteria: ACMG Guidelines, 2015. Collection method: clinical testing. Allele origin: germline.

Brotman Baty Institute, University of Washington
No classification provided (evidence only). Condition: Breast-ovarian cancer, familial 1. Review status: no classification provided. Collection method: in vitro. Allele origin: not applicable. Functional consequence: functionally_normal. Not counted in ClinVar's aggregate classification.
ClinVar note: "not provided" was previously submitted as the classification for the variant. However, the classification appeared to be based only on an observation of functional data so it was converted to no classification on 2025-07-30.